The following is an entry in ClinVar:

ClinVar aggregate classification (germline): Conflicting classifications of pathogenicity. Review status: criteria provided, conflicting classifications (1 of 4 stars). 3 submissions from 2 submitters: Uncertain significance (1); Benign (2). Last evaluated 2018-01-13.

Conditions:
Maturity-onset diabetes of the young type 1. Also called: MILD JUVENILE DIABETES MELLITUS; MODY, type I; MODY type 1; Diabetes mellitus MODY type 1; MODY HNF4A related; HNF4A-Related Maturity-Onset Diabetes of the Young Type 1. Identifiers: Orphanet 552, MedGen C1852093, MONDO:0007452, OMIM 125850. Disease mechanism: loss of function.
Maturity-onset diabetes of the young (MODY). Also called: Maturity onset diabetes mellitus in young. Identifiers: Orphanet 552, MedGen C0342276, MONDO:0018911, HP:0004904.
Familial hyperinsulinism. Also called: Congenital hyperinsulinism. Identifiers: Orphanet 276525, MedGen C3888018, MONDO:0017182. Disease mechanism: loss of function.

Allele frequency attached by ClinVar (database versions not stated): gnomAD 0.00135 and 0.00147; 1000 Genomes Project 30x 0.00156; 1000 Genomes Project 0.00200; gnomAD exomes 0.00011; TOPMed 0.00134.

Submissions (3):

Illumina Laboratory Services, Illumina
Classification: Benign for Maturity-onset diabetes of the young type 1. Last evaluated: 2018-01-13. Review status: criteria provided, single submitter. Criteria: ICSL Variant Classification Criteria 13 December 2019. Collection method: clinical testing. Allele origin: germline.
Comment: This variant was observed in the ICSL laboratory as part of a predisposition screen in an ostensibly healthy population. It had not been previously curated by ICSL or reported in the Human Gene Mutation Database (HGMD: prior to June 1st, 2018), and was therefore a candidate for classification through an automated scoring system. Utilizing variant allele frequency, disease prevalence and penetrance estimates, and inheritance mode, an automated score was calculated to assess if this variant is too frequent to cause the disease. Based on the score and internal cut-off values, a variant classified as benign is not then subjected to further curation. The score for this variant resulted in a classification of benign for this disease.

Illumina Laboratory Services, Illumina
Classification: Uncertain significance for Familial hyperinsulinism. Last evaluated: 2018-01-13. Review status: criteria provided, single submitter. Criteria: ICSL Variant Classification Criteria 13 December 2019. Collection method: clinical testing. Allele origin: germline.

Clinical Genomics, Uppaluri K&H Personalized Medicine Clinic
Classification: Benign for Maturity-onset diabetes of the young. Review status: criteria provided, single submitter. Criteria: K & H Uppaluri Personalized Medicine Clinic Variant Classification & Assertion Criteria_Updated V.1. Collection method: research. Allele origin: unknown. Inheritance: Autosomal dominant inheritance.
Comment: Potent mutations in HNF4A are associated with poor insulin secretion in response to hyperglycemia. Associated with MODY1. Patients initially respond well to sulfonylureas but eventually become insulin dependent. However, more evidence is required to ascertain the role of this particular variant rs548013860 in MODY, yet.

Literature cited by the submitters: DOI 10.1159/000334532 (cited by Clinical Genomics, Uppaluri K&H Personalized Medicine Clinic); PubMed 18268044 (cited by Clinical Genomics, Uppaluri K&H Personalized Medicine Clinic); PubMed 17563455 (cited by Clinical Genomics, Uppaluri K&H Personalized Medicine Clinic); PubMed 32583173 (cited by Clinical Genomics, Uppaluri K&H Personalized Medicine Clinic); PubMed 35052457 (cited by Clinical Genomics, Uppaluri K&H Personalized Medicine Clinic); PubMed 35118593 (cited by Clinical Genomics, Uppaluri K&H Personalized Medicine Clinic).

NM_175914.5(HNF4A):c.*446G>A

Gene: HNF4A (hepatocyte nuclear factor 4 alpha; plus strand). Cytogenetic location: 20q13.12.
Variant type: single nucleotide variant.
Coding change: c.*446G>A on transcript NM_175914.5 (MANE Select); 446 bases downstream of the stop codon, G replaced by A.
Molecular consequence: 3 prime UTR variant.
Genome position (GRCh38, 1-based): chr20:44,430,111, G>A. VCF-style: chr20-44430111-G-A. GRCh37 (hg19) VCF-style: chr20-43058751-G-A.
Other names: c.*446G>A (NM_001030003.3, NM_001258355.2, NM_001287182.2 and 3 more transcripts).
Identifiers: ClinVar variation 338442 (VCV000338442.6), dbSNP rs548013860, ClinGen allele CA10653123.